The following is an entry in ClinVar:

NM_004260.4(RECQL4):c.158G>T (p.Gly53Val)

Genes: RECQL4 (RecQ like helicase 4; minus strand), LOC130001411 (ATAC-STARR-seq lymphoblastoid silent region 19699; plus strand). Cytogenetic location: 8q24.3.
Variant type: single nucleotide variant.
Coding change: c.158G>T on transcript NM_004260.4 (MANE Select); coding-DNA position 158, G replaced by T.
Protein change: p.Gly53Val; replaces glycine 53 with valine.
Molecular consequence: missense variant.
Genome position (GRCh38, 1-based): chr8:144,517,469, C>A on the plus strand (G>T on the coding strand, the complement: RECQL4 is on the minus strand). VCF-style: chr8-144517469-C-A. GRCh37 (hg19) VCF-style: chr8-145742853-C-A.
Other names: c.158G>T (NM_004260.3); short protein forms G53V.
Identifiers: ClinVar variation 1372156 (VCV001372156.7), dbSNP rs1381844543, ClinGen allele CA372692669.
Genomic context (GRCh38, chr8:144,517,469, plus strand): 5'-GGTACCTCTTCGGCCGCCGCGGGGAGCGACTCGGAGCTGCGGAGCCCGCCGCCGGCCTGG[C>A]CCGTGGTACGCTTCAGAGTGCGGTATTCCCGGTAGAGCGCTGCGTGGGCGAGCGGGAGGC-3'
Protein context (NP_004251.4, residues 43-63): REYRTLKRTT[Gly53Val]QAGGGLRSSE

ClinVar aggregate classification (germline): Uncertain significance. Review status: criteria provided, multiple submitters, no conflicts (2 of 4 stars). 2 submissions from 2 submitters: Uncertain significance (2). Last evaluated 2025-05-11.

Conditions:
Inborn genetic diseases. Identifiers: MedGen C0950123, MeSH D030342.
Baller-Gerold syndrome (BGS). Also called: CRANIOSYNOSTOSIS WITH RADIAL DEFECTS. Identifiers: Orphanet 1225, MedGen C0265308, MONDO:0009039, OMIM 218600.

gnomAD v4.1: 1 of 1,596,326 alleles (0.000063%); no homozygotes.

Submissions (2):

Ambry Genetics
Classification: Uncertain significance for Inborn genetic diseases. Last evaluated: 2025-05-11. Review status: criteria provided, single submitter. Criteria: Ambry Variant Classification Scheme 2023. Collection method: clinical testing. Allele origin: germline.
Comment: The p.G53V variant (also known as c.158G>T), located in coding exon 3 of the RECQL4 gene, results from a G to T substitution at nucleotide position 158. The glycine at codon 53 is replaced by valine, an amino acid with dissimilar properties. This amino acid position is conserved. In addition, this alteration is predicted to be tolerated by in silico analysis. Based on the available evidence, the clinical significance of this variant remains unclear.

Labcorp Genetics (formerly Invitae), Labcorp
Classification: Uncertain significance for Baller-Gerold syndrome. Last evaluated: 2023-04-27. Review status: criteria provided, single submitter. Criteria: Invitae Variant Classification Sherloc (09022015). Collection method: clinical testing. Allele origin: germline.
Comment: In summary, the available evidence is currently insufficient to determine the role of this variant in disease. Therefore, it has been classified as a Variant of Uncertain Significance. Experimental studies and prediction algorithms are not available or were not evaluated, and the functional significance of this variant is currently unknown. ClinVar contains an entry for this variant (Variation ID: 1372156). This variant has not been reported in the literature in individuals affected with RECQL4-related conditions. This variant is not present in population databases (gnomAD no frequency). This sequence change replaces glycine, which is neutral and non-polar, with valine, which is neutral and non-polar, at codon 53 of the RECQL4 protein (p.Gly53Val).